The following is an entry in ClinVar:

NM_170707.4(LMNA):c.1551G>T (p.Gln517His)

Gene: LMNA (lamin A/C; plus strand). Cytogenetic location: 1q22.
Variant type: single nucleotide variant.
Coding change: c.1551G>T on transcript NM_170707.4 (MANE Select); coding-DNA position 1551, G replaced by T.
Protein change: p.Gln517His; replaces glutamine 517 with histidine.
Molecular consequence: missense variant.
Genome position (GRCh38, 1-based): chr1:156,137,175, G>T. VCF-style: chr1-156137175-G-T. GRCh37 (hg19) VCF-style: chr1-156106966-G-T.
Other names: c.1215G>T, p.Gln405His (NM_001257374.3, NM_001406989.1, NM_001406998.1); c.1308G>T, p.Gln436His (NM_001282624.2, NM_001406986.1, NM_001406987.1); c.1551G>T, p.Gln517His (NM_001282625.2, NM_001282626.2, NM_001406983.1 and 6 more transcripts); c.1254G>T, p.Gln418His (NM_001406988.1); c.993G>T, p.Gln331His (NM_001406990.1, NM_001406993.1, NM_001406995.1 and 4 more transcripts); c.927G>T, p.Gln309His (NM_001406994.1, NM_001406999.1, NM_001407000.1 and 1 more transcripts); short protein forms Q309H, Q331H, Q405H, Q418H, Q436H, Q517H.
Identifiers: ClinVar variation 3387014 (VCV003387014.2).

ClinVar aggregate classification (germline): Uncertain significance. Review status: criteria provided, multiple submitters, no conflicts (2 of 4 stars). 2 submissions from 2 submitters: Uncertain significance (2). Last evaluated 2024-05-14.

Conditions:
Primary dilated cardiomyopathy (DCM). Also called: Dilated Cardiomyopathy. Identifiers: Orphanet 217604, MedGen C0007193, MeSH D002311, MONDO:0005021, HP:0001644. Inheritance: Various modes of inheritance.

gnomAD v4.1: 4 of 1,610,864 alleles (0.00025%); highest among the groups gnomAD compares: Non-Finnish European, 0.00025%; no homozygotes.

Submissions (2):

All of Us Research Program, National Institutes of Health
Classification: Uncertain significance for Primary dilated cardiomyopathy. Last evaluated: 2024-05-14. Review status: criteria provided, single submitter. Criteria: ACMG Guidelines, 2015. Collection method: clinical testing. Allele origin: germline. Inheritance: Autosomal dominant inheritance. Observed: 1 variant allele, 1 heterozygote.
Comment: This missense variant replaces glutamine with histidine at codon 517 of the LMNA protein. Computational prediction tools indicate that this variant has a deleterious impact on protein structure and function. To our knowledge, functional studies have not been reported for this variant. This variant has been reported in one individual affected with hypertrophic cardiomyopathy (PMID: 30775854); this individual also carried a pathogenic variant in the MYH7 gene. This variant has been identified in 3/272848 chromosomes in the general population by the Genome Aggregation Database (gnomAD). The available evidence is insufficient to determine the role of this variant in disease conclusively. Therefore, this variant is classified as a Variant of Uncertain Significance.

This study involves interpretation of variants in research participants for the purpose of population health screening. Participant phenotype was not available at the time of variant classification. Additional details can be found in publication PMID: 35346344, PMCID: PMC8962531

Blueprint Genetics
Classification: Uncertain significance. Last evaluated: 2022-03-10. Review status: criteria provided, single submitter. Criteria: ACMG Guidelines, 2015. Collection method: clinical testing. Allele origin: germline.

Literature cited by the submitters: PubMed 30775854 (cited by All of Us Research Program, National Institutes of Health).